The following is an entry in ClinVar:

NM_007202.4(AKAP10):c.746G>A (p.Arg249His)

Gene: AKAP10 (A-kinase anchoring protein 10; minus strand). Cytogenetic location: 17p11.2.
Variant type: single nucleotide variant.
Coding change: c.746G>A on transcript NM_007202.4 (MANE Select); coding-DNA position 746, G replaced by A.
Protein change: p.Arg249His; replaces arginine 249 with histidine.
Molecular consequence: missense variant.
Genome position (GRCh38, 1-based): chr17:19,958,145, C>T on the plus strand (G>A on the coding strand, the complement: AKAP10 is on the minus strand). VCF-style: chr17-19958145-C-T. GRCh37 (hg19) VCF-style: chr17-19861458-C-T.
Other names: c.746G>A, p.Arg249His (NM_001330152.2); short protein forms R249H.
Identifiers: ClinVar variation 3059344 (VCV003059344.2), dbSNP rs2108978, ClinGen allele CA8445980.
Genomic context (GRCh38, chr17:19,958,145, plus strand): 5'-GAGGAAGATTCTTGGGTTTCCATGGAAACTTGGTGAGTTCCTGCTCTGGCCATTTCAAGA[C>T]GGAGAGAATGGGCACTGTCACATTCCTGGGAAAGCAGCAAGTGATTCTGAGTGCTGTTAG-3'
Protein context (NP_009133.2, residues 239-259): SQECDSAHSL[Arg249His]LEMARAGTHQ

ClinVar aggregate classification (germline): Benign (0 of 4 stars; one submission).

Conditions:
AKAP10-related disorder. Also called: AKAP10-related condition.

Allele frequency attached by ClinVar (database versions not stated): ExAC 0.37175; gnomAD exomes 0.38465; 1000 Genomes Project 0.38958; 1000 Genomes Project 30x 0.39413; gnomAD 0.42372; TOPMed 0.43851; ESP Exome Variant Server 0.44495.
gnomAD v4.1: 626,727 of 1,613,756 alleles (39%); highest among the groups gnomAD compares: African/African-American, 57%; 124,899 homozygotes.

Submission:

PreventionGenetics, part of Exact Sciences
Classification: Benign for AKAP10-related condition. Last evaluated: 2019-10-17. Review status: no assertion criteria provided. Collection method: clinical testing. Allele origin: germline.
Comment: This variant is classified as benign based on ACMG/AMP sequence variant interpretation guidelines (Richards et al. 2015 PMID: 25741868, with internal and published modifications).